The following is an entry in ClinVar:

NM_001369.3(DNAH5):c.13359A>G (p.Thr4453=)

Gene: DNAH5 (dynein axonemal heavy chain 5; minus strand). Cytogenetic location: 5p15.2.
Variant type: single nucleotide variant.
Coding change: c.13359A>G on transcript NM_001369.3 (MANE Select); coding-DNA position 13359, A replaced by G.
Protein change: p.Thr4453=; no amino-acid change (threonine 4453 retained).
Molecular consequence: synonymous variant.
Genome position (GRCh38, 1-based): chr5:13,701,416, T>C on the plus strand (A>G on the coding strand, the complement: DNAH5 is on the minus strand). VCF-style: chr5-13701416-T-C. GRCh37 (hg19) VCF-style: chr5-13701525-T-C.
Other names: p.Thr4453=.
Identifiers: ClinVar variation 178740 (VCV000178740.44), dbSNP rs3734111, ClinGen allele CA182917.

ClinVar aggregate classification (germline): Benign/Likely benign. Review status: criteria provided, multiple submitters, no conflicts (2 of 4 stars). 14 submissions from 14 submitters: Benign (10); Likely benign (1). 3 of the submissions do not count toward it. Last evaluated 2026-02-04.

Conditions:
Primary ciliary dyskinesia. Also called: Ciliary dyskinesia. Identifiers: Orphanet 244, MedGen C0008780, MONDO:0016575, HP:0012265.
Primary ciliary dyskinesia 3. Identifiers: Orphanet 244, MedGen C1837618, MONDO:0012085, OMIM 608644.

Allele frequency attached by ClinVar (database versions not stated): 1000 Genomes Project 30x 0.44550; 1000 Genomes Project 0.44768; TOPMed 0.47928; gnomAD 0.48434 and 0.48605; ESP Exome Variant Server 0.48601; ExAC 0.50127; gnomAD exomes 0.50341 and 0.53201.
gnomAD v4.1: 846,222 of 1,605,764 alleles (53%); highest among the groups gnomAD compares: Non-Finnish European, 55%; 226,310 homozygotes.

Submissions (15):

Labcorp Genetics (formerly Invitae), Labcorp
Classification: Benign for Primary ciliary dyskinesia. Last evaluated: 2026-02-04. Review status: criteria provided, single submitter. Criteria: Invitae Variant Classification Sherloc (09022015). Collection method: clinical testing. Allele origin: germline.

Blueprint Genetics
Classification: Likely benign. Last evaluated: 2024-11-26. Review status: criteria provided, single submitter. Criteria: ACMG Guidelines, 2015. Collection method: clinical testing. Allele origin: germline.

Mayo Clinic Laboratories, Mayo Clinic
Classification: Benign. Last evaluated: 2022-04-26. Review status: criteria provided, single submitter. Criteria: ACMG Guidelines, 2015. Collection method: clinical testing. Allele origin: germline. Observed: 159 variant alleles.

Genome-Nilou Lab
Classification: Benign for Primary ciliary dyskinesia 3. Last evaluated: 2021-07-30. Review status: criteria provided, single submitter. Criteria: ACMG Guidelines, 2015. Collection method: clinical testing. Allele origin: germline. Affected: no.

Pars Genome Lab
Classification: Benign for Primary ciliary dyskinesia 3. Last evaluated: 2021-06-15. Review status: criteria provided, single submitter. Criteria: ACMG Guidelines, 2015. Collection method: clinical testing. Allele origin: germline. Affected: no.

GeneDx
Classification: Benign. Last evaluated: 2018-11-10. Review status: criteria provided, single submitter. Criteria: GeneDx Variant Classification Process June 2021. Collection method: clinical testing. Allele origin: germline. Affected: yes.

Illumina Laboratory Services, Illumina
Classification: Benign for Primary ciliary dyskinesia 3. Last evaluated: 2018-01-13. Review status: criteria provided, single submitter. Criteria: ICSL Variant Classification Criteria 13 December 2019. Collection method: clinical testing. Allele origin: germline.
Comment: This variant was observed in the ICSL laboratory as part of a predisposition screen in an ostensibly healthy population. It had not been previously curated by ICSL or reported in the Human Gene Mutation Database (HGMD: prior to June 1st, 2018), and was therefore a candidate for classification through an automated scoring system. Utilizing variant allele frequency, disease prevalence and penetrance estimates, and inheritance mode, an automated score was calculated to assess if this variant is too frequent to cause the disease. Based on the score and internal cut-off values, a variant classified as benign is not then subjected to further curation. The score for this variant resulted in a classification of benign for this disease.

Ambry Genetics
Classification: Benign for Primary ciliary dyskinesia. Last evaluated: 2014-12-11. Review status: criteria provided, single submitter. Criteria: Ambry Variant Classification Scheme 2023. Collection method: clinical testing. Allele origin: germline.

Laboratory for Molecular Medicine, Mass General Brigham Personalized Medicine
Classification: Benign. Last evaluated: 2013-02-21. Review status: criteria provided, single submitter. Criteria: LMM Criteria. Collection method: clinical testing. Allele origin: germline. Observed: 82 variant alleles.
Comment: Thr4453Thr in exon 77 of DNAH5: This variant is not expected to have clinical si gnificance because it does not alter an amino acid residue and is not located wi thin the splice consensus sequence. It has been identified in 45.3% (3894/8600) of European American chromosomes from a broad population by the NHLBI Exome Sequ encing Project (dbSNP rs3734111).

Breakthrough Genomics
Classification: Benign. Review status: criteria provided, single submitter. Criteria: ACMG Guidelines, 2015. Collection method: not provided. Allele origin: germline. Inheritance: Autosomal recessive inheritance. Affected: yes.

PreventionGenetics, part of Exact Sciences
Classification: Benign. Review status: criteria provided, single submitter. Criteria: ACMG Guidelines, 2015. Collection method: clinical testing. Allele origin: germline.

Natera, Inc.
Classification: Benign for Primary ciliary dyskinesia. Last evaluated: 2020-09-16. Review status: no assertion criteria provided. Collection method: clinical testing. Allele origin: germline. Not counted in ClinVar's aggregate classification.

Clinical Genetics DNA and cytogenetics Diagnostics Lab, Erasmus MC, Erasmus Medical Center
Classification: Benign. Review status: no assertion criteria provided. Collection method: clinical testing. Allele origin: germline. Affected: yes. Study: VKGL Data-share Consensus. Not counted in ClinVar's aggregate classification.

Diagnostic Laboratory, Department of Genetics, University Medical Center Groningen
Classification: Benign. Review status: no assertion criteria provided. Collection method: clinical testing. Allele origin: germline. Affected: yes. Study: VKGL Data-share Consensus. Not counted in ClinVar's aggregate classification.

Dr. Peter K. Rogan Lab, Western University
No classification provided (evidence only). Condition: Familial cancer of breast. Review status: no classification provided. Collection method: in vitro. Allele origin: not applicable. Functional consequence: retained intron. Not counted in ClinVar's aggregate classification.